The following is an entry in ClinVar:

ClinVar aggregate classification (germline): Likely benign (1 of 4 stars; one submission).

Conditions:
NBEAL2-related disorder. Also called: NBEAL2-related condition.

gnomAD v4.1: 37 of 1,613,804 alleles (0.0023%); highest among the groups gnomAD compares: Non-Finnish European, 0.0021%; no homozygotes.

Submission:

PreventionGenetics, part of Exact Sciences
Classification: Likely benign for NBEAL2-related condition. Last evaluated: 2025-12-26. Review status: criteria provided, single submitter. Criteria: ACMG Guidelines, 2015. Collection method: clinical testing. Allele origin: germline.
Comment: This variant is classified as likely benign based on ACMG/AMP sequence variant interpretation guidelines (Richards et al. 2015 PMID: 25741868, with internal and published modifications).

NM_015175.3(NBEAL2):c.7827C>T (p.Ser2609=)

Gene: NBEAL2 (neurobeachin like 2; plus strand). Cytogenetic location: 3p21.31.
Variant type: single nucleotide variant.
Coding change: c.7827C>T on transcript NM_015175.3 (MANE Select); coding-DNA position 7827, C replaced by T.
Protein change: p.Ser2609=; no amino-acid change (serine 2609 retained).
Molecular consequence: synonymous variant.
Genome position (GRCh38, 1-based): chr3:47,008,390, C>T. VCF-style: chr3-47008390-C-T. GRCh37 (hg19) VCF-style: chr3-47049880-C-T.
Other names: c.7725C>T, p.Ser2575= (NM_001365116.2).
Identifiers: ClinVar variation 4987722 (VCV004987722.1).